The following is an entry in ClinVar:

NM_001170629.2(CHD8):c.4162C>G (p.Leu1388Val)

Gene: CHD8 (chromodomain helicase DNA binding protein 8; minus strand). Cytogenetic location: 14q11.2.
Variant type: single nucleotide variant.
Coding change: c.4162C>G on transcript NM_001170629.2 (MANE Select); coding-DNA position 4162, C replaced by G.
Protein change: p.Leu1388Val; replaces leucine 1388 with valine.
Molecular consequence: missense variant.
Genome position (GRCh38, 1-based): chr14:21,401,414, G>C on the plus strand (C>G on the coding strand, the complement: CHD8 is on the minus strand). VCF-style: chr14-21401414-G-C. GRCh37 (hg19) VCF-style: chr14-21869573-G-C.
Other names: c.3325C>G, p.Leu1109Val (NM_020920.4); short protein forms L1109V, L1388V.
Identifiers: ClinVar variation 2123284 (VCV002123284.4), dbSNP rs2501893393, ClinGen allele CA388896072.

ClinVar aggregate classification (germline): Uncertain significance (1 of 4 stars; one submission).

Submission:

Labcorp Genetics (formerly Invitae), Labcorp
Classification: Uncertain significance. Last evaluated: 2022-06-16. Review status: criteria provided, single submitter. Criteria: Invitae Variant Classification Sherloc (09022015). Collection method: clinical testing. Allele origin: germline.
Comment: In summary, the available evidence is currently insufficient to determine the role of this variant in disease. Therefore, it has been classified as a Variant of Uncertain Significance. Algorithms developed to predict the effect of missense changes on protein structure and function (SIFT, PolyPhen-2, Align-GVGD) all suggest that this variant is likely to be tolerated. This variant has not been reported in the literature in individuals affected with CHD8-related conditions. This variant is not present in population databases (gnomAD no frequency). This sequence change replaces leucine, which is neutral and non-polar, with valine, which is neutral and non-polar, at codon 1388 of the CHD8 protein (p.Leu1388Val).